The following is an entry in ClinVar:

NM_006506.5(RASA2):c.1073A>C (p.Asn358Thr)

Gene: RASA2 (RAS p21 protein activator 2; plus strand). Cytogenetic location: 3q23.
Variant type: single nucleotide variant.
Coding change: c.1073A>C on transcript NM_006506.5 (MANE Select); coding-DNA position 1073, A replaced by C.
Protein change: p.Asn358Thr; replaces asparagine 358 with threonine.
Molecular consequence: missense variant.
Genome position (GRCh38, 1-based): chr3:141,571,458, A>C. VCF-style: chr3-141571458-A-C. GRCh37 (hg19) VCF-style: chr3-141290300-A-C.
Other names: c.1073A>C, p.Asn358Thr (NM_001303245.3, NM_001303246.3); short protein forms N358T.
Identifiers: ClinVar variation 2817897 (VCV002817897.3), dbSNP rs2478713407, ClinGen allele CA354775989.

ClinVar aggregate classification (germline): Uncertain significance (1 of 4 stars; one submission).

Submission:

Labcorp Genetics (formerly Invitae), Labcorp
Classification: Uncertain significance. Last evaluated: 2022-12-02. Review status: criteria provided, single submitter. Criteria: Invitae Variant Classification Sherloc (09022015). Collection method: clinical testing. Allele origin: germline.
Comment: This sequence change replaces asparagine, which is neutral and polar, with threonine, which is neutral and polar, at codon 358 of the RASA2 protein (p.Asn358Thr). In summary, the available evidence is currently insufficient to determine the role of this variant in disease. Therefore, it has been classified as a Variant of Uncertain Significance. Advanced modeling of protein sequence and biophysical properties (such as structural, functional, and spatial information, amino acid conservation, physicochemical variation, residue mobility, and thermodynamic stability) performed at Invitae indicates that this missense variant is not expected to disrupt RASA2 protein function. This variant has not been reported in the literature in individuals affected with RASA2-related conditions. This variant is not present in population databases (gnomAD no frequency).